The following is an entry in ClinVar:

ClinVar aggregate classification (germline): Uncertain significance (1 of 4 stars; one submission).

Allele frequency attached by ClinVar (database versions not stated): gnomAD exomes below 0.00001.
gnomAD v4.1: 3 of 1,573,774 alleles (0.00019%); highest among the groups gnomAD compares: South Asian, 0.0011%; no homozygotes.

Submission:

Labcorp Genetics (formerly Invitae), Labcorp
Classification: Uncertain significance. Last evaluated: 2020-08-28. Review status: criteria provided, single submitter. Criteria: Invitae Variant Classification Sherloc (09022015). Collection method: clinical testing. Allele origin: germline.
Comment: Algorithms developed to predict the effect of missense changes on protein structure and function (SIFT, PolyPhen-2, Align-GVGD) all suggest that this variant is likely to be tolerated, but these predictions have not been confirmed by published functional studies and their clinical significance is uncertain. This variant has not been reported in the literature in individuals with TUBGCP4-related conditions. This variant is not present in population databases (ExAC no frequency). This sequence change replaces valine with methionine at codon 329 of the TUBGCP4 protein (p.Val329Met). The valine residue is moderately conserved and there is a small physicochemical difference between valine and methionine. Algorithms developed to predict the effect of sequence changes on RNA splicing suggest that this variant may create or strengthen a splice site, but this prediction has not been confirmed by published transcriptional studies. In summary, the available evidence is currently insufficient to determine the role of this variant in disease. Therefore, it has been classified as a Variant of Uncertain Significance.

NM_014444.5(TUBGCP4):c.985G>A (p.Val329Met)

Gene: TUBGCP4 (tubulin gamma complex component 4; plus strand). Cytogenetic location: 15q15.3.
Variant type: single nucleotide variant.
Coding change: c.985G>A on transcript NM_014444.5 (MANE Select); coding-DNA position 985, G replaced by A.
Protein change: p.Val329Met; replaces valine 329 with methionine.
Molecular consequence: missense variant.
Genome position (GRCh38, 1-based): chr15:43,386,301, G>A. VCF-style: chr15-43386301-G-A. GRCh37 (hg19) VCF-style: chr15-43678499-G-A.
Other names: c.985G>A, p.Val329Met (NM_001286414.3); short protein forms V329M.
Identifiers: ClinVar variation 1004153 (VCV001004153.6), dbSNP rs1240912374, ClinGen allele CA392123579.